The following is an entry in ClinVar:

NM_024548.4(CEP97):c.1096A>G (p.Asn366Asp)

Gene: CEP97 (centrosomal protein 97; plus strand). Cytogenetic location: 3q12.3.
Variant type: single nucleotide variant.
Coding change: c.1096A>G on transcript NM_024548.4 (MANE Select); coding-DNA position 1096, A replaced by G.
Protein change: p.Asn366Asp; replaces asparagine 366 with aspartic acid.
Molecular consequence: missense variant. On other transcripts: intron variant (2).
Genome position (GRCh38, 1-based): chr3:101,757,702, A>G. VCF-style: chr3-101757702-A-G. GRCh37 (hg19) VCF-style: chr3-101476546-A-G.
Other names: c.994A>G, p.Asn332Asp (NM_001410784.1); c.1028-109A>G (NM_001303401.2); c.926-109A>G (NM_001410785.1); short protein forms N332D, N366D.
Identifiers: ClinVar variation 4806203 (VCV004806203.1).
Genomic context (GRCh38, chr3:101,757,702, plus strand): 5'-ATTCAAGTGAATTCTTGGGTTGGGATAAACAGTAATGATGATCAGTTATTTGCGGTTAAG[A>G]ATAATTTTCCAGCCTCTGTACACACTACGAGATATTCTCGAAATGATCTGCACCTGGAAG-3'
Protein context (NP_078824.2, residues 356-376): SNDDQLFAVK[Asn366Asp]NFPASVHTTR

ClinVar aggregate classification (germline): Uncertain significance (1 of 4 stars; one submission).

gnomAD v4.1: 2 of 1,614,250 alleles (0.00012%); highest among the groups gnomAD compares: Non-Finnish European, 0.00017%; no homozygotes.

Submission:

Labcorp Genetics (formerly Invitae), Labcorp
Classification: Uncertain significance. Last evaluated: 2025-03-12. Review status: criteria provided, single submitter. Criteria: Invitae Variant Classification Sherloc (09022015). Collection method: clinical testing. Allele origin: germline.
Comment: This sequence change replaces asparagine, which is neutral and polar, with aspartic acid, which is acidic and polar, at codon 366 of the CEP97 protein (p.Asn366Asp). This variant is not present in population databases (gnomAD no frequency). This variant has not been reported in the literature in individuals affected with CEP97-related conditions. Invitae Evidence Modeling of protein sequence and biophysical properties (such as structural, functional, and spatial information, amino acid conservation, physicochemical variation, residue mobility, and thermodynamic stability) indicates that this missense variant is not expected to disrupt CEP97 protein function with a negative predictive value of 80%. In summary, the available evidence is currently insufficient to determine the role of this variant in disease. Therefore, it has been classified as a Variant of Uncertain Significance.